The following is an entry in ClinVar:

ClinVar aggregate classification (germline): Pathogenic (1 of 4 stars; one submission).

Conditions:
Aniridia 1 (AN1). Identifiers: Orphanet 250923, MedGen C0344542, MONDO:0024507, OMIM 106210.
Irido-corneo-trabecular dysgenesis (ASGD5). Also called: ANTERIOR SEGMENT DYSGENESIS 5. Identifiers: Orphanet 708, MedGen C0344559, MONDO:0011414, OMIM 604229, HP:0000659.

Submission:

Labcorp Genetics (formerly Invitae), Labcorp
Classification: Pathogenic for Aniridia 1; Irido-corneo-trabecular dysgenesis. Last evaluated: 2025-01-30. Review status: criteria provided, single submitter. Criteria: Invitae Variant Classification Sherloc (09022015). Collection method: clinical testing. Allele origin: germline.
Comment: This sequence change creates a premature translational stop signal (p.Phe217Leufs*27) in the PAX6 gene. It is expected to result in an absent or disrupted protein product. Loss-of-function variants in PAX6 are known to be pathogenic (PMID: 12634864). This variant is not present in population databases (gnomAD no frequency). This variant has not been reported in the literature in individuals affected with PAX6-related conditions. ClinVar contains an entry for this variant (Variation ID: 1452270). For these reasons, this variant has been classified as Pathogenic.

Literature cited by the submitters: PubMed 12634864.

NM_001368894.2(PAX6):c.690del (p.Phe231fs)

Gene: PAX6 (paired box 6; minus strand). Cytogenetic location: 11p13.
Variant type: Deletion.
Coding change: c.690del on transcript NM_001368894.2 (MANE Select); coding-DNA position 690, one base deleted (C; older notation c.690delC).
Protein change: p.Phe231fs; shifts the reading frame from phenylalanine 231.
Molecular consequence: frameshift variant. On other transcripts: non-coding transcript variant (2).
Genome position (GRCh38, 1-based): chr11:31,794,664, G deleted on the plus strand (C on the coding strand, the reverse complement: PAX6 is on the minus strand); the first of 2 consecutive G bases (chr11:31,794,664-31,794,665); deleting either gives the same sequence. VCF-style (leftmost placement, unchanged base first): chr11-31794663-AG-A. GRCh37 (hg19) VCF-style: chr11-31816211-AG-A.
Other names: c.648del, p.Phe217fs (NM_000280.6, NM_001127612.3, NM_001258464.2 and 10 more transcripts); c.690del, p.Phe231fs (NM_001258462.3, NM_001258463.2, NM_001310158.2 and 6 more transcripts); c.240del, p.Phe81fs (NM_001310160.2, NM_001310161.3, NM_001368899.2 and 11 more transcripts); c.891del, p.Phe298fs (NM_001368910.2); c.693del, p.Phe232fs (NM_001368911.2); c.765del, p.Phe256fs (NM_001368918.2, NM_001368919.2); c.723del, p.Phe242fs (NM_001368920.2); c.489del, p.Phe164fs (NM_001368921.2, NM_001368922.2, NM_001368923.2 and 4 more transcripts); and 2 more; short protein forms F150fs, F164fs, F231fs, F256fs, F16fs, F217fs, F242fs, F298fs.
Identifiers: ClinVar variation 1452270 (VCV001452270.7), dbSNP rs2134656843, ClinGen allele CA2573146288.
Genomic context (GRCh38, chr11:31,794,663, plus strand): 5'-CTTCTCTACTTTGAAAAACTCTATCACCTTTCTCCAGGGCCTCAATTTGCTCTTGGGTAA[AG>A]GATGTTCTATTTCTTTGCAGCTTCCGCTTCAGCTGAAGTCGCATTTGAGCCTCATCTGAA-3'